The following is an entry in ClinVar:

ClinVar aggregate classification (germline): Uncertain significance. Review status: criteria provided, multiple submitters, no conflicts (2 of 4 stars). 2 submissions from 2 submitters: Uncertain significance (2). Last evaluated 2022-02-01.

Conditions:
Inborn genetic diseases. Identifiers: MedGen C0950123, MeSH D030342.
Charcot-Marie-Tooth disease axonal type 2S. Also called: CHARCOT-MARIE-TOOTH NEUROPATHY, TYPE 2S; CHARCOT-MARIE-TOOTH DISEASE, AXONAL, AUTOSOMAL RECESSIVE, TYPE 2S. Identifiers: Orphanet 443073, MedGen C4015349, MONDO:0014511, OMIM 616155.
Autosomal recessive distal spinal muscular atrophy 1. Also called: HMN VI; NEURONOPATHY, SEVERE INFANTILE AXONAL, WITH RESPIRATORY FAILURE; NEURONOPATHY, DISTAL HEREDITARY MOTOR, HARDING TYPE VI; NEUROPATHY, DISTAL HEREDITARY MOTOR, AUTOSOMAL RECESSIVE 1; SEVERE INFANTILE AXONAL NEUROPATHY WITH RESPIRATORY FAILURE; SPINAL MUSCULAR ATROPHY, DIAPHRAGMATIC. Identifiers: Orphanet 98920, MedGen C1858517, MONDO:0011436, OMIM 604320.

Allele frequency attached by ClinVar (database versions not stated): gnomAD 0.00005; ExAC 0.00006; TOPMed 0.00007; 1000 Genomes Project 0.00040; 1000 Genomes Project 30x 0.00062.
gnomAD v4.1: 18 of 1,614,066 alleles (0.0011%); highest among the groups gnomAD compares: African/African-American, 0.024%; no homozygotes.

Submissions (2):

Labcorp Genetics (formerly Invitae), Labcorp
Classification: Uncertain significance for Autosomal recessive distal spinal muscular atrophy 1; Charcot-Marie-Tooth disease axonal type 2S. Last evaluated: 2022-02-01. Review status: criteria provided, single submitter. Criteria: Invitae Variant Classification Sherloc (09022015). Collection method: clinical testing. Allele origin: germline.
Comment: This sequence change replaces lysine, which is basic and polar, with asparagine, which is neutral and polar, at codon 298 of the IGHMBP2 protein (p.Lys298Asn). This variant is present in population databases (rs536156719, gnomAD 0.04%). This variant has not been reported in the literature in individuals affected with IGHMBP2-related conditions. Advanced modeling of protein sequence and biophysical properties (such as structural, functional, and spatial information, amino acid conservation, physicochemical variation, residue mobility, and thermodynamic stability) performed at Invitae indicates that this missense variant is not expected to disrupt IGHMBP2 protein function. In summary, the available evidence is currently insufficient to determine the role of this variant in disease. Therefore, it has been classified as a Variant of Uncertain Significance.

Ambry Genetics
Classification: Uncertain significance for Inborn genetic diseases. Last evaluated: 2020-03-03. Review status: criteria provided, single submitter. Criteria: Ambry Variant Classification Scheme 2023. Collection method: clinical testing. Allele origin: germline.
Comment: The p.K298N variant (also known as c.894G>C), located in coding exon 6 of the IGHMBP2 gene, results from a G to C substitution at nucleotide position 894. The lysine at codon 298 is replaced by asparagine, an amino acid with similar properties. This amino acid position is not well conserved in available vertebrate species. In addition, this alteration is predicted to be tolerated by in silico analysis. Since supporting evidence is limited at this time, the clinical significance of this alteration remains unclear.

NM_002180.3(IGHMBP2):c.894G>C (p.Lys298Asn)

Gene: IGHMBP2 (immunoglobulin mu DNA binding protein 2; plus strand). Cytogenetic location: 11q13.3.
Variant type: single nucleotide variant.
Coding change: c.894G>C on transcript NM_002180.3 (MANE Select); coding-DNA position 894, G replaced by C.
Protein change: p.Lys298Asn; replaces lysine 298 with asparagine.
Molecular consequence: missense variant.
Genome position (GRCh38, 1-based): chr11:68,915,005, G>C. VCF-style: chr11-68915005-G-C. GRCh37 (hg19) VCF-style: chr11-68682473-G-C.
Other names: short protein forms K298N.
Identifiers: ClinVar variation 1765229 (VCV001765229.4), dbSNP rs536156719, ClinGen allele CA6153428.
Genomic context (GRCh38, chr11:68,915,005, plus strand): 5'-CTCCCTGGATGCGGTTTTAGCGCGGAGCGACAGTGCCCAGATTGTTGCAGATATCAGGAA[G>C]GACATCGACCAGGTCTTTGTAGGTGTCATGGCCAGTGTCCATGTGGGGCGTGGGCTTCTG-3'
Protein context (NP_002171.2, residues 288-308): DSAQIVADIR[Lys298Asn]DIDQVFVKNK